The following is an entry in ClinVar:

ClinVar aggregate classification (germline): Pathogenic/Likely pathogenic. Review status: criteria provided, multiple submitters, no conflicts (2 of 4 stars). 2 submissions from 2 submitters: Pathogenic (1); Likely pathogenic (1). Last evaluated 2024-07-24.

Conditions:
Neurofibromatosis, type 1 (NF1). Also called: Neurofibromatosis, type I; VON RECKLINGHAUSEN DISEASE; NEUROFIBROMATOSIS, TYPE I, SOMATIC; Peripheral type neurofibromatosis. Identifiers: Orphanet 636, MedGen C0027831, MONDO:0018975, OMIM 162200. Disease mechanism: loss of function.

Submissions (2):

Labcorp Genetics (formerly Invitae), Labcorp
Classification: Pathogenic for Neurofibromatosis, type 1. Last evaluated: 2024-07-24. Review status: criteria provided, single submitter. Criteria: Invitae Variant Classification Sherloc (09022015). Collection method: clinical testing. Allele origin: germline.
Comment: This sequence change creates a premature translational stop signal (p.Leu1246Valfs*2) in the NF1 gene. It is expected to result in an absent or disrupted protein product. Loss-of-function variants in NF1 are known to be pathogenic (PMID: 10712197, 23913538). This variant is not present in population databases (gnomAD no frequency). This variant has not been reported in the literature in individuals affected with NF1-related conditions. ClinVar contains an entry for this variant (Variation ID: 996523). For these reasons, this variant has been classified as Pathogenic.

Genome Diagnostics Laboratory, The Hospital for Sick Children
Classification: Likely pathogenic for Neurofibromatosis, type 1. Last evaluated: 2020-10-26. Review status: criteria provided, single submitter. Criteria: ACMG Guidelines, 2015. Collection method: clinical testing. Allele origin: germline. Affected: yes.

Literature cited by the submitters: PubMed 10712197 (cited by Labcorp Genetics (formerly Invitae), Labcorp); PubMed 23913538 (cited by Labcorp Genetics (formerly Invitae), Labcorp).

NM_001042492.3(NF1):c.3736_3737del (p.Leu1246fs)

Gene: NF1 (neurofibromin 1; plus strand). Cytogenetic location: 17q11.2.
Variant type: Microsatellite.
Coding change: c.3736_3737del on transcript NM_001042492.3 (MANE Select); coding-DNA positions 3736 to 3737, 2 bases deleted (CT; older notation c.3736_3737delCT).
Protein change: p.Leu1246fs; shifts the reading frame from leucine 1246.
Molecular consequence: frameshift variant.
Genome position (GRCh38, 1-based): chr17:31,235,638-31,235,639, CT deleted; deleting any 2 consecutive bases within chr17:31,235,636-31,235,639 gives the same sequence; the c. name uses the placement nearest the transcript's 3' end. VCF-style (leftmost placement, unchanged base first): chr17-31235635-ACT-A. GRCh37 (hg19) VCF-style: chr17-29562653-ACT-A.
Other names: c.3736_3737delCT (NM_000267.3); c.3734_3735CT[1], p.Leu1246Valfs (NM_000267.4); short protein forms L1246fs.
Identifiers: ClinVar variation 996523 (VCV000996523.6), dbSNP rs2067186293, ClinGen allele CA2255572848.